The following is an entry in ClinVar:

ClinVar aggregate classification (germline): Uncertain significance (1 of 4 stars; one submission).

gnomAD v4.1: 1 of 1,614,230 alleles (0.000062%); highest among the groups gnomAD compares: South Asian, 0.0011%; no homozygotes.

Submission:

Ambry Genetics
Classification: Uncertain significance. Last evaluated: 2025-11-07. Review status: criteria provided, single submitter. Criteria: Ambry Variant Classification Scheme 2023. Collection method: clinical testing. Allele origin: germline.
Comment: The p.F674C variant (also known as c.2021T>G), located in coding exon 13 of the RINT1 gene, results from a T to G substitution at nucleotide position 2021. The phenylalanine at codon 674 is replaced by cysteine, an amino acid with highly dissimilar properties. This amino acid position is conserved. In addition, this alteration is predicted to be tolerated by in silico analysis. Based on the available evidence, the clinical significance of this variant remains unclear.

NM_021930.6(RINT1):c.2021T>G (p.Phe674Cys)

Genes: EFCAB10 (EF-hand calcium binding domain 10; minus strand), RINT1 (RAD50 interactor 1; plus strand). Cytogenetic location: 7q22.3.
Variant type: single nucleotide variant.
Coding change: c.2021T>G on transcript NM_021930.6 (MANE Select); coding-DNA position 2021, T replaced by G.
Protein change: p.Phe674Cys; replaces phenylalanine 674 with cysteine.
Molecular consequence: missense variant. On other transcripts: 3 prime UTR variant (2), non-coding transcript variant (1).
Genome position (GRCh38, 1-based): chr7:105,565,411, T>G. VCF-style: chr7-105565411-T-G. GRCh37 (hg19) VCF-style: chr7-105205858-T-G.
Other names: c.*36A>C (NM_001355526.2); c.*138A>C (NM_001355530.2); c.396A>C, p.Arg132Ser (NM_001355531.2); c.1787T>G, p.Phe596Cys (NM_001346599.2); c.998T>G, p.Phe333Cys (NM_001346600.2, NM_001346603.2); c.1097T>G, p.Phe366Cys (NM_001346601.2); short protein forms F674C, F366C, R132S, F596C, F333C.
Identifiers: ClinVar variation 4578195 (VCV004578195.1).
Genomic context (GRCh38, chr7:105,565,411, plus strand): 5'-CGTTACGAGACCATTTACTTCAGTTGGAGCAGCAGCTTTGTTTCTCCTTATTTAAAATTT[T>G]CTGGCAAATGCTTGTAGAGAAGCTGGATGTATACATCTACCAAGAAGTAAGTAAGAATAG-3'
Protein context (NP_068749.3, residues 664-684): QQLCFSLFKI[Phe674Cys]WQMLVEKLDV